The following is an entry in ClinVar:

NM_013275.6(ANKRD11):c.5476C>G (p.Pro1826Ala)

Gene: ANKRD11 (ankyrin repeat domain 11; minus strand). Cytogenetic location: 16q24.3.
Variant type: single nucleotide variant.
Coding change: c.5476C>G on transcript NM_013275.6 (MANE Select); coding-DNA position 5476, C replaced by G.
Protein change: p.Pro1826Ala; replaces proline 1826 with alanine.
Molecular consequence: missense variant.
Genome position (GRCh38, 1-based): chr16:89,281,066, G>C on the plus strand (C>G on the coding strand, the complement: ANKRD11 is on the minus strand). VCF-style: chr16-89281066-G-C. GRCh37 (hg19) VCF-style: chr16-89347474-G-C.
Other names: c.5476C>G, p.Pro1826Ala (NM_001256182.2, NM_001256183.2); short protein forms P1826A.
Identifiers: ClinVar variation 1002322 (VCV001002322.8), dbSNP rs2034191131, ClinGen allele CA397154053.

ClinVar aggregate classification (germline): Uncertain significance (1 of 4 stars; one submission).

Conditions:
KBG syndrome (KBGS). Also called: ANKRD11-Related KBG Syndrome. Identifiers: Orphanet 2332, MedGen C0220687, MONDO:0007846, OMIM 148050.

gnomAD v4.1: 2 of 1,607,468 alleles (0.00012%); highest among the groups gnomAD compares: Non-Finnish European, 0.00017%; no homozygotes.

Submission:

Labcorp Genetics (formerly Invitae), Labcorp
Classification: Uncertain significance for KBG syndrome. Last evaluated: 2018-07-05. Review status: criteria provided, single submitter. Criteria: Invitae Variant Classification Sherloc (09022015). Collection method: clinical testing. Allele origin: germline.
Comment: This sequence change replaces proline with alanine at codon 1826 of the ANKRD11 protein (p.Pro1826Ala). The proline residue is weakly conserved and there is a small physicochemical difference between proline and alanine. In summary, the available evidence is currently insufficient to determine the role of this variant in disease. Therefore, it has been classified as a Variant of Uncertain Significance. Algorithms developed to predict the effect of missense changes on protein structure and function (SIFT, PolyPhen-2, Align-GVGD) all suggest that this variant is likely to be tolerated, but these predictions have not been confirmed by published functional studies and their clinical significance is uncertain. This variant has not been reported in the literature in individuals with ANKRD11-related disease. This variant is not present in population databases (ExAC no frequency).